The following is an entry in ClinVar:

ClinVar aggregate classification (germline): Pathogenic/Likely pathogenic. Review status: criteria provided, multiple submitters, no conflicts (2 of 4 stars). 5 submissions from 5 submitters: Pathogenic (3); Likely pathogenic (1). 1 of the submissions does not count toward it. Last evaluated 2023-11-09.

Conditions:
Hereditary cancer-predisposing syndrome. Also called: Tumor predisposition; Hereditary Cancer Syndrome; Hereditary neoplastic syndrome; Neoplastic Syndromes, Hereditary. Identifiers: Orphanet 140162, MedGen C0027672, MeSH D009386, MONDO:0015356.
Familial cancer of breast. Also called: Hereditary breast cancer; BREAST CANCER, FAMILIAL; hereditary breast carcinoma. Identifiers: Orphanet 227535, MedGen C0346153, MONDO:0016419, OMIM 114480. Disease mechanism: loss of function.
Ataxia-telangiectasia syndrome (AT). Also called: ATAXIA-TELANGIECTASIA, COMPLEMENTATION GROUP A; ATAXIA-TELANGIECTASIA, FRESNO VARIANT; Ataxia-telangiectasia; Ataxia telangiectasia (A-T); Cerebello-oculocutaneous telangiectasia; Immunodeficiency with ataxia telangiectasia. Identifiers: Orphanet 100, MedGen C0004135, MONDO:0008840, OMIM 208900.

Submissions (5):

Myriad Genetics, Inc.
Classification: Pathogenic for Familial cancer of breast. Last evaluated: 2023-11-09. Review status: criteria provided, single submitter. Criteria: Myriad Autosomal Dominant, Autosomal Recessive and X-Linked Classification Criteria (2023). Collection method: clinical testing. Allele origin: unknown.
Comment: This variant is considered pathogenic. This variant creates a frameshift predicted to result in premature protein truncation.

Ambry Genetics
Classification: Pathogenic for Hereditary cancer-predisposing syndrome. Last evaluated: 2023-01-12. Review status: criteria provided, single submitter. Criteria: Ambry Variant Classification Scheme 2023. Collection method: clinical testing. Allele origin: germline.
Comment: The c.3351_3354delAACA pathogenic mutation, located in coding exon 22 of the ATM gene, results from a deletion of 4 nucleotides at nucleotide positions 3351 to 3354, causing a translational frameshift with a predicted alternate stop codon (p.T1118Lfs*7). This variant is considered to be rare based on population cohorts in the Genome Aggregation Database (gnomAD). This alteration is expected to result in loss of function by premature protein truncation or nonsense-mediated mRNA decay. As such, this alteration is interpreted as a disease-causing mutation.

Baylor Genetics
Classification: Likely pathogenic for Familial cancer of breast. Last evaluated: 2022-02-09. Review status: criteria provided, single submitter. Criteria: ACMG Guidelines, 2015. Collection method: clinical testing. Allele origin: unknown.

Labcorp Genetics (formerly Invitae), Labcorp
Classification: Pathogenic for Ataxia-telangiectasia syndrome. Last evaluated: 2020-02-06. Review status: criteria provided, single submitter. Criteria: Invitae Variant Classification Sherloc (09022015). Collection method: clinical testing. Allele origin: germline.
Comment: For these reasons, this variant has been classified as Pathogenic. Loss-of-function variants in ATM are known to be pathogenic (PMID: 23807571, 25614872). This variant has not been reported in the literature in individuals with ATM-related conditions. ClinVar contains an entry for this variant (Variation ID: 370383). This variant is not present in population databases (ExAC no frequency). This sequence change creates a premature translational stop signal (p.Thr1118Leufs*7) in the ATM gene. It is expected to result in an absent or disrupted protein product.

Counsyl
Classification: Likely pathogenic for Ataxia-telangiectasia syndrome. Last evaluated: 2016-01-29. Review status: no assertion criteria provided. Collection method: clinical testing. Allele origin: unknown. Not counted in ClinVar's aggregate classification.

Literature cited by the submitters: PubMed 23807571 (cited by Labcorp Genetics (formerly Invitae), Labcorp); PubMed 25614872 (cited by Labcorp Genetics (formerly Invitae), Labcorp).

NM_000051.4(ATM):c.3351_3354del (p.Thr1118fs)

Gene: ATM (ATM serine/threonine kinase; plus strand). Cytogenetic location: 11q22.3.
Variant type: Deletion.
Coding change: c.3351_3354del on transcript NM_000051.4 (MANE Select); coding-DNA positions 3351 to 3354, 4 bases deleted (AACA; older notation c.3351_3354delAACA).
Protein change: p.Thr1118fs; shifts the reading frame from threonine 1118.
Molecular consequence: frameshift variant.
Genome position (GRCh38, 1-based): chr11:108,279,557-108,279,560, AACA deleted; deleting any 4 consecutive bases within chr11:108,279,555-108,279,560 gives the same sequence; the c. name uses the placement nearest the transcript's 3' end. VCF-style (leftmost placement, unchanged base first): chr11-108279554-GCAAA-G. GRCh37 (hg19) VCF-style: chr11-108150281-GCAAA-G.
Other names: c.3351_3354delAACA (NM_000051.3); c.3351_3354del, p.Thr1118fs (NM_001351834.2); short protein forms T1118fs.
Identifiers: ClinVar variation 370383 (VCV000370383.14), dbSNP rs1057516446, ClinGen allele CA16041400.
Genomic context (GRCh38, chr11:108,279,554, plus strand): 5'-GTTCCAGGACACGAAGGGAGATTCTTCCAGGTTACTGAAAGCACTTCCTTTGAAGCTTCA[GCAAA>G]CAGCTTTTGAAAATGCATACTTGAAAGCTCAGGAAGGAATGAGAGAAATGGTAATTTTAA-3'